The following is an entry in ClinVar:

NM_001379270.1(CNGA1):c.1808G>T (p.Gly603Val)

Genes: CNGA1 (cyclic nucleotide gated channel subunit alpha 1; minus strand), LOC101927157 (uncharacterized LOC101927157; plus strand). Cytogenetic location: 4p12.
Variant type: single nucleotide variant.
Coding change: c.1808G>T on transcript NM_001379270.1 (MANE Select); coding-DNA position 1808, G replaced by T.
Protein change: p.Gly603Val; replaces glycine 603 with valine.
Molecular consequence: missense variant.
Genome position (GRCh38, 1-based): chr4:47,936,674, C>A on the plus strand (G>T on the coding strand, the complement: CNGA1 is on the minus strand). VCF-style: chr4-47936674-C-A. GRCh37 (hg19) VCF-style: chr4-47938691-C-A.
Other names: c.1808G>T, p.Gly603Val (NM_000087.5, NM_001142564.2); short protein forms G603V.
Identifiers: ClinVar variation 1416835 (VCV001416835.8), dbSNP rs1232716065, ClinGen allele CA356823644.

ClinVar aggregate classification (germline): Uncertain significance (1 of 4 stars; one submission).

Allele frequency attached by ClinVar (database versions not stated): gnomAD exomes below 0.00001.
gnomAD v4.1: 1 of 1,614,160 alleles (0.000062%); highest among the groups gnomAD compares: East Asian, 0.0022%; no homozygotes.

Submission:

Labcorp Genetics (formerly Invitae), Labcorp
Classification: Uncertain significance. Last evaluated: 2024-10-21. Review status: criteria provided, single submitter. Criteria: Invitae Variant Classification Sherloc (09022015). Collection method: clinical testing. Allele origin: germline.
Comment: This sequence change replaces glycine, which is neutral and non-polar, with valine, which is neutral and non-polar, at codon 607 of the CNGA1 protein (p.Gly607Val). This variant is present in population databases (no rsID available, gnomAD 0.006%). This variant has not been reported in the literature in individuals affected with CNGA1-related conditions. ClinVar contains an entry for this variant (Variation ID: 1416835). Invitae Evidence Modeling of protein sequence and biophysical properties (such as structural, functional, and spatial information, amino acid conservation, physicochemical variation, residue mobility, and thermodynamic stability) indicates that this missense variant is expected to disrupt CNGA1 protein function with a positive predictive value of 80%. In summary, the available evidence is currently insufficient to determine the role of this variant in disease. Therefore, it has been classified as a Variant of Uncertain Significance.